The following is an entry in ClinVar:

ClinVar aggregate classification (germline): Uncertain significance. Review status: criteria provided, multiple submitters, no conflicts (2 of 4 stars). 2 submissions from 2 submitters: Uncertain significance (2). Last evaluated 2026-06-16.

Conditions:
Neurofibromatosis, type 1 (NF1). Also called: VON RECKLINGHAUSEN DISEASE; Peripheral type neurofibromatosis; NEUROFIBROMATOSIS, TYPE I, SOMATIC; Neurofibromatosis, type I. Identifiers: Orphanet 636, MedGen C0027831, MONDO:0018975, OMIM 162200. Disease mechanism: loss of function.
Cardiovascular phenotype. Identifiers: MedGen CN230736.
Hereditary cancer-predisposing syndrome. Also called: Hereditary Cancer Syndrome; Hereditary neoplastic syndrome; Neoplastic Syndromes, Hereditary; Tumor predisposition. Identifiers: Orphanet 140162, MedGen C0027672, MeSH D009386, MONDO:0015356.

Submissions (2):

Ambry Genetics
Classification: Uncertain significance for Cardiovascular phenotype; Hereditary cancer-predisposing syndrome. Last evaluated: 2026-06-16. Review status: criteria provided, single submitter. Criteria: Ambry Variant Classification Scheme 2023. Collection method: clinical testing. Allele origin: germline.
Comment: The p.T841S variant (also known as c.2522C>G), located in coding exon 21 of the NF1 gene, results from a C to G substitution at nucleotide position 2522. The threonine at codon 841 is replaced by serine, an amino acid with similar properties. This amino acid position is highly conserved in available vertebrate species. In addition, this alteration is predicted to be deleterious by in silico analysis. Based on the available evidence, the clinical significance of this variant remains unclear.

Labcorp Genetics (formerly Invitae), Labcorp
Classification: Uncertain significance for Neurofibromatosis, type 1. Last evaluated: 2025-08-11. Review status: criteria provided, single submitter. Criteria: Invitae Variant Classification Sherloc (09022015). Collection method: clinical testing. Allele origin: germline.
Comment: This sequence change replaces threonine, which is neutral and polar, with serine, which is neutral and polar, at codon 841 of the NF1 protein (p.Thr841Ser). This variant is not present in population databases (gnomAD no frequency). This variant has not been reported in the literature in individuals affected with NF1-related conditions. Invitae Evidence Modeling of protein sequence and biophysical properties (such as structural, functional, and spatial information, amino acid conservation, physicochemical variation, residue mobility, and thermodynamic stability) indicates that this missense variant is expected to disrupt NF1 protein function with a positive predictive value of 95%. This variant disrupts the p.Thr841 amino acid residue in NF1. Other variant(s) that disrupt this residue have been determined to be pathogenic (PMID: 31717729). This suggests that this residue is clinically significant, and that variants that disrupt this residue are likely to be disease-causing. In summary, the available evidence is currently insufficient to determine the role of this variant in disease. Therefore, it has been classified as a Variant of Uncertain Significance.

Literature cited by the submitters: PubMed 31717729 (cited by Labcorp Genetics (formerly Invitae), Labcorp).

NM_001042492.3(NF1):c.2522C>G (p.Thr841Ser)

Gene: NF1 (neurofibromin 1; plus strand). Cytogenetic location: 17q11.2.
Variant type: single nucleotide variant.
Coding change: c.2522C>G on transcript NM_001042492.3 (MANE Select); coding-DNA position 2522, C replaced by G.
Protein change: p.Thr841Ser; replaces threonine 841 with serine.
Molecular consequence: missense variant.
Genome position (GRCh38, 1-based): chr17:31,229,137, C>G. VCF-style: chr17-31229137-C-G. GRCh37 (hg19) VCF-style: chr17-29556155-C-G.
Other names: c.2522C>G, p.Thr841Ser (NM_000267.4); short protein forms T841S.
Identifiers: ClinVar variation 4800737 (VCV004800737.2).
Genomic context (GRCh38, chr17:31,229,137, plus strand): 5'-GTGGAGGAGGATCCATAGATTTGTCTGACACAGACTCCCTACAGGAATGGATCAACATGA[C>G]TGGCTTCCTTTGTGCCCTTGGGGGAGTGTGCCTCCAGCAGAGAAGCAATTCTGGCCTGGC-3'
Protein context (NP_001035957.1, residues 831-851): TDSLQEWINM[Thr841Ser]GFLCALGGVC